The following is an entry in ClinVar:

NM_006231.4(POLE):c.5290G>C (p.Ala1764Pro)

Gene: POLE (DNA polymerase epsilon, catalytic subunit; minus strand). Cytogenetic location: 12q24.33.
Variant type: single nucleotide variant.
Coding change: c.5290G>C on transcript NM_006231.4 (MANE Select); coding-DNA position 5290, G replaced by C.
Protein change: p.Ala1764Pro; replaces alanine 1764 with proline.
Molecular consequence: missense variant.
Genome position (GRCh38, 1-based): chr12:132,641,735, C>G on the plus strand (G>C on the coding strand, the complement: POLE is on the minus strand). VCF-style: chr12-132641735-C-G. GRCh37 (hg19) VCF-style: chr12-133218321-C-G.
Other names: c.5290G>C (NM_006231.2); short protein forms A1764P.
Identifiers: ClinVar variation 473722 (VCV000473722.13), dbSNP rs1315730296, ClinGen allele CA387376123.

ClinVar aggregate classification (germline): Uncertain significance. Review status: criteria provided, multiple submitters, no conflicts (2 of 4 stars). 3 submissions from 3 submitters: Uncertain significance (3). Last evaluated 2025-10-25.

Conditions:
Hereditary cancer-predisposing syndrome. Also called: Neoplastic Syndromes, Hereditary; Tumor predisposition; Hereditary Cancer Syndrome; Hereditary neoplastic syndrome. Identifiers: Orphanet 140162, MedGen C0027672, MeSH D009386, MONDO:0015356.

Allele frequency attached by ClinVar (database versions not stated): gnomAD exomes below 0.00001 and 0.00001.
gnomAD v4.1: 4 of 1,612,970 alleles (0.00025%); highest among the groups gnomAD compares: Admixed American, 0.0067%; no homozygotes.

Submissions (3):

Ambry Genetics
Classification: Uncertain significance for Hereditary cancer-predisposing syndrome. Last evaluated: 2025-10-25. Review status: criteria provided, single submitter. Criteria: Ambry Variant Classification Scheme 2023. Collection method: clinical testing. Allele origin: germline.
Comment: The p.A1764P variant (also known as c.5290G>C), located in coding exon 39 of the POLE gene, results from a G to C substitution at nucleotide position 5290. The alanine at codon 1764 is replaced by proline, an amino acid with highly similar properties. This amino acid position is conserved. In addition, the in silico prediction for this alteration is inconclusive. Since supporting evidence is limited at this time, the clinical significance of this alteration remains unclear.

Labcorp Genetics (formerly Invitae), Labcorp
Classification: Uncertain significance. Last evaluated: 2025-01-14. Review status: criteria provided, single submitter. Criteria: Invitae Variant Classification Sherloc (09022015). Collection method: clinical testing. Allele origin: germline.
Comment: This sequence change replaces alanine, which is neutral and non-polar, with proline, which is neutral and non-polar, at codon 1764 of the POLE protein (p.Ala1764Pro). This variant is present in population databases (no rsID available, gnomAD 0.003%). This variant has not been reported in the literature in individuals affected with POLE-related conditions. ClinVar contains an entry for this variant (Variation ID: 473722). An algorithm developed to predict the effect of missense changes on protein structure and function (PolyPhen-2) suggests that this variant is likely to be tolerated. In summary, the available evidence is currently insufficient to determine the role of this variant in disease. Therefore, it has been classified as a Variant of Uncertain Significance.

GeneDx
Classification: Uncertain significance. Last evaluated: 2019-07-29. Review status: criteria provided, single submitter. Criteria: GeneDx Variant Classification Process June 2021. Collection method: clinical testing. Allele origin: germline. Affected: yes.
Comment: Not observed at a significant frequency in large population cohorts (Lek 2016); In silico analysis, which includes protein predictors and evolutionary conservation, supports a deleterious effect; Has not been previously published as pathogenic or benign to our knowledge